The following is an entry in ClinVar:

ClinVar aggregate classification (germline): Uncertain significance (1 of 4 stars; one submission).

Submission:

Labcorp Genetics (formerly Invitae), Labcorp
Classification: Uncertain significance. Last evaluated: 2022-11-01. Review status: criteria provided, single submitter. Criteria: Invitae Variant Classification Sherloc (09022015). Collection method: clinical testing. Allele origin: germline.
Comment: ClinVar contains an entry for this variant (Variation ID: 1013905). In summary, the available evidence is currently insufficient to determine the role of this variant in disease. Therefore, it has been classified as a Variant of Uncertain Significance. Advanced modeling of protein sequence and biophysical properties (such as structural, functional, and spatial information, amino acid conservation, physicochemical variation, residue mobility, and thermodynamic stability) performed at Invitae indicates that this missense variant is not expected to disrupt PRPF8 protein function. This variant has not been reported in the literature in individuals affected with PRPF8-related conditions. This variant is not present in population databases (gnomAD no frequency). This sequence change replaces phenylalanine, which is neutral and non-polar, with serine, which is neutral and polar, at codon 1088 of the PRPF8 protein (p.Phe1088Ser).

NM_006445.4(PRPF8):c.3263T>C (p.Phe1088Ser)

Gene: PRPF8 (pre-mRNA processing factor 8; minus strand). Cytogenetic location: 17p13.3.
Variant type: single nucleotide variant.
Coding change: c.3263T>C on transcript NM_006445.4 (MANE Select); coding-DNA position 3263, T replaced by C.
Protein change: p.Phe1088Ser; replaces phenylalanine 1088 with serine.
Molecular consequence: missense variant.
Genome position (GRCh38, 1-based): chr17:1,674,478, A>G on the plus strand (T>C on the coding strand, the complement: PRPF8 is on the minus strand). VCF-style: chr17-1674478-A-G. GRCh37 (hg19) VCF-style: chr17-1577772-A-G.
Other names: short protein forms F1088S.
Identifiers: ClinVar variation 1013905 (VCV001013905.5), dbSNP rs1912508817, ClinGen allele CA397542295.